The following is an entry in ClinVar:

ClinVar aggregate classification (germline): Pathogenic/Likely pathogenic. Review status: criteria provided, multiple submitters, no conflicts (2 of 4 stars). 4 submissions from 4 submitters: Pathogenic (2); Likely pathogenic (1). 1 of the submissions does not count toward it. Last evaluated 2023-08-22.

Conditions:
Hereditary factor VIII deficiency disease (HEMA). Also called: HEMOPHILIA, CLASSIC; Hemophilia A; Hemophilia A, congenital; HEM A; Factor 8 deficiency, congenital; AUTOSOMAL HEMOPHILIA A. Identifiers: Orphanet 98878, MedGen C0019069, MONDO:0010602, OMIM 306700.

Allele frequency attached by ClinVar (database versions not stated): gnomAD exomes below 0.00001; gnomAD 0.00001; TOPMed 0.00010.
gnomAD v4.1: 2 of 1,209,520 alleles (0.00017%); highest among the groups gnomAD compares: African/African-American, 0.0017%; no homozygotes.

Submissions (4):

Women's Health and Genetics/Laboratory Corporation of America, LabCorp
Classification: Pathogenic for Hereditary factor VIII deficiency disease. Last evaluated: 2023-08-22. Review status: criteria provided, single submitter. Criteria: LabCorp Variant Classification Summary - May 2015. Collection method: clinical testing. Allele origin: germline.
Comment: Variant summary: F8 c.6967C>T (p.Arg2323Cys) results in a non-conservative amino acid change located in the Coagulation factor 5/8 C-terminal domain (IPR000421) of the encoded protein sequence. Four of five in-silico tools predict a damaging effect of the variant on protein function. The variant allele was found at a frequency of 4.6e-05 in 21864 control chromosomes. c.6967C>T has been reported in the literature in multiple individuals affected with Factor VIII Deficiency (Hemophilia A) (e.g. Baz_2021, Eckhardt_2013, Johnsen_2022, Miller_2012). These data indicate that the variant is very likely to be associated with disease. Additionally, other missense variants in the same residue have been associated with Haemophilia A in HGMD and Clinvar (R2323G, R2323H, R2323L and R2323P). To our knowledge, no experimental evidence demonstrating an impact on protein function has been reported. The following publications have been ascertained in the context of this evaluation (PMID: 34272389, 23926300, 29381227, 22103590). One submitter has cited clinical-significance assessments for this variant to ClinVar after 2014 and has classified the variant as pathogenic. Based on the evidence outlined above, the variant was classified as pathogenic.

Genetics and Molecular Pathology, SA Pathology
Classification: Likely pathogenic for Hereditary factor VIII deficiency disease. Last evaluated: 2023-06-08. Review status: criteria provided, single submitter. Criteria: ACMG Guidelines, 2015. Collection method: clinical testing. Allele origin: germline. Inheritance: X-linked recessive inheritance. Affected: yes.
Comment: The F8 c.6967C>T missense variant has been classified as Likely Pathogenic (PM2_supporting, PS4_moderate, PM5, PP4). The c.6967C>T variant is in gnomAD at very low frequency (PM2_supporting) however, the variant is prevalent in affected individuals (PS4_moderate). This variant has been reported in PMID: 32897612 and 35014236 in a patient with severe and moderate haemophilia A, respectively. This variant is a missense change at an amino acid residue where a different missense change has been seen before; R2323G, R2323H, R2323P and R2323L as reported in ClinVar and/or HGMD (PM5). This variant is located in the functional C2 domain which is largely responsible for vWF and platelet membrane surface binding, and has also been shown to participate in binding to factor Xa and thrombin (PMID 15471879). The patient's phenotype and FVIII bioassay levels are consistent with the specific genetic aetiology (PP4). This variant has been reported in dbSNP (rs137852473), HMGD as disease causing (CM910153) and in ClinVar as pathogenic (ClinVar variant ID:10333).

ARUP Laboratories, Molecular Genetics and Genomics, ARUP Laboratories
Classification: Pathogenic for Hereditary factor VIII deficiency disease. Last evaluated: 2019-05-20. Review status: criteria provided, single submitter. Criteria: ARUP Molecular Germline Variant Investigation Process. Collection method: clinical testing. Allele origin: germline.
Comment: The F8 c.6967C>T; p.Arg2323Cys variant (rs137852473) is reported in the literature in multiple individuals affected with moderate to severe hemophilia A (see link to FVIII database and references therein, Johnsen 2017, Lu 2018). This variant is reported in ClinVar (Variation ID: 10333), and is only observed on one allele in the Genome Aggregation Database, indicating it is not a common polymorphism. The arginine at codon 2323 is highly conserved, and/ computational analyses (SIFT, PolyPhen-2) predict that this variant is deleterious. Additionally, other amino acid substitutions at this codon (Gly, His, Leu) have been reported in individuals with mild hemophilia and are considered pathogenic (FVIII database and references therein). Based on available information, this variant is considered to be pathogenic. References: Link to FVIII database: Johnsen JM et al. Novel approach to genetic analysis and results in 3000 hemophilia patients enrolled in the My Life, Our Future initiative. Blood Adv. 2017 May 18;1(13):824-834. Lu Y et al. Spectrum and origin of mutations in sporadic cases of haemophilia A in China. Haemophilia. 2018 Mar;24(2):291-298.

OMIM
Classification: Pathogenic for HEMOPHILIA A. Last evaluated: 1992-04-01. Review status: no assertion criteria provided. Collection method: literature only. Allele origin: germline. Not counted in ClinVar's aggregate classification.

Literature cited by the submitters: PubMed 34272389 (cited by Women's Health and Genetics/Laboratory Corporation of America, LabCorp); PubMed 23926300 (cited by Women's Health and Genetics/Laboratory Corporation of America, LabCorp); PubMed 22103590 (cited by Women's Health and Genetics/Laboratory Corporation of America, LabCorp); PubMed 29381227 (cited by Women's Health and Genetics/Laboratory Corporation of America, LabCorp); PubMed 15471879 (cited by Genetics and Molecular Pathology, SA Pathology); PubMed 32897612 (cited by Genetics and Molecular Pathology, SA Pathology); PubMed 1908096 (cited by OMIM); PubMed 1412186 (cited by OMIM).

NM_000132.4(F8):c.6967C>T (p.Arg2323Cys)

Gene: F8 (coagulation factor VIII; minus strand). Cytogenetic location: Xq28.
Variant type: single nucleotide variant.
Coding change: c.6967C>T on transcript NM_000132.4 (MANE Select); coding-DNA position 6967, C replaced by T.
Protein change: p.Arg2323Cys; replaces arginine 2323 with cysteine.
Molecular consequence: missense variant.
Genome position (GRCh38, 1-based): chrX:154,837,686, G>A on the plus strand (C>T on the coding strand, the complement: F8 is on the minus strand). VCF-style: chrX-154837686-G-A. GRCh37 (hg19) VCF-style: chrX-154065961-G-A.
Other names: F8, ARG2304CYS; R2304C; c.562C>T, p.Arg188Cys (NM_019863.3); short protein forms R2323C, R188C.
Identifiers: ClinVar variation 10333 (VCV000010333.10), dbSNP rs137852473, ClinGen allele CA255225.